The following is an entry in ClinVar:

ClinVar aggregate classification (germline): Uncertain significance (1 of 4 stars; one submission).

Conditions:
Fructose-biphosphatase deficiency (FBP1D). Also called: Fructose 1,6 Bisphosphatase Deficiency; Fructose-1,6-Diphosphatase Deficiency; Fructose-1,6-Bisphosphatase 1 Deficiency. Identifiers: Orphanet 348, MedGen C0016756, MONDO:0009251, OMIM 229700.

Submission:

Labcorp Genetics (formerly Invitae), Labcorp
Classification: Uncertain significance for Fructose-biphosphatase deficiency. Last evaluated: 2022-12-22. Review status: criteria provided, single submitter. Criteria: Invitae Variant Classification Sherloc (09022015). Collection method: clinical testing. Allele origin: germline.
Comment: This sequence change replaces leucine, which is neutral and non-polar, with arginine, which is basic and polar, at codon 176 of the FBP1 protein (p.Leu176Arg). This variant is not present in population databases (gnomAD no frequency). This variant has not been reported in the literature in individuals affected with FBP1-related conditions. ClinVar contains an entry for this variant (Variation ID: 1718590). Advanced modeling of protein sequence and biophysical properties (such as structural, functional, and spatial information, amino acid conservation, physicochemical variation, residue mobility, and thermodynamic stability) performed at Invitae indicates that this missense variant is expected to disrupt FBP1 protein function. In summary, the available evidence is currently insufficient to determine the role of this variant in disease. Therefore, it has been classified as a Variant of Uncertain Significance.

NM_000507.4(FBP1):c.527T>G (p.Leu176Arg)

Gene: FBP1 (fructose-bisphosphatase 1; minus strand). Cytogenetic location: 9q22.32.
Variant type: single nucleotide variant.
Coding change: c.527T>G on transcript NM_000507.4 (MANE Select); coding-DNA position 527, T replaced by G.
Protein change: p.Leu176Arg; replaces leucine 176 with arginine.
Molecular consequence: missense variant.
Genome position (GRCh38, 1-based): chr9:94,609,961, A>C on the plus strand (T>G on the coding strand, the complement: FBP1 is on the minus strand). VCF-style: chr9-94609961-A-C. GRCh37 (hg19) VCF-style: chr9-97372243-A-C.
Other names: c.527T>G, p.Leu176Arg (NM_001127628.2); short protein forms L176R.
Identifiers: ClinVar variation 1718590 (VCV001718590.5), dbSNP rs2538936110, ClinGen allele CA374107686.